The following is an entry in ClinVar:

ClinVar aggregate classification (germline): Pathogenic (1 of 4 stars; one submission).

Conditions:
Retinoblastoma (RB1). Also called: RETINOBLASTOMA, SOMATIC. Identifiers: Orphanet 790, MedGen C0035335, MeSH D012175, MONDO:0008380, OMIM 180200, HP:0009919. Disease mechanism: loss of function. Inheritance: Both sporadic and heritable forms are tested..

Submission:

Labcorp Genetics (formerly Invitae), Labcorp
Classification: Pathogenic for Retinoblastoma. Last evaluated: 2021-02-04. Review status: criteria provided, single submitter. Criteria: Invitae Variant Classification Sherloc (09022015). Collection method: clinical testing. Allele origin: germline.
Comment: This variant is not present in population databases (ExAC no frequency). For these reasons, this variant has been classified as Pathogenic. This variant has not been reported in the literature in individuals with RB1-related conditions. This sequence change creates a premature translational stop signal (p.Leu416Argfs*4) in the RB1 gene. It is expected to result in an absent or disrupted protein product. Loss-of-function variants in RB1 are known to be pathogenic (PMID: 17096365).

Literature cited by the submitters: PubMed 17096365.

NM_000321.3(RB1):c.1247del (p.Leu416fs)

Gene: RB1 (RB transcriptional corepressor 1; plus strand). Cytogenetic location: 13q14.2.
Variant type: Deletion.
Coding change: c.1247del on transcript NM_000321.3 (MANE Select); coding-DNA position 1247, one base deleted (T; older notation c.1247delT).
Protein change: p.Leu416fs; shifts the reading frame from leucine 416.
Molecular consequence: frameshift variant.
Genome position (GRCh38, 1-based): chr13:48,376,949, T deleted. VCF-style (leftmost placement, unchanged base first): chr13-48376948-CT-C. GRCh37 (hg19) VCF-style: chr13-48951084-CT-C.
Other names: short protein forms L416fs.
Identifiers: ClinVar variation 1453265 (VCV001453265.6), dbSNP rs2138136325, ClinGen allele CA2573149599.